The following is an entry in ClinVar:

NM_022042.4(SLC26A1):c.1404G>A (p.Pro468=)

Genes: IDUA (alpha-L-iduronidase; plus strand), SLC26A1 (solute carrier family 26 member 1; minus strand). Cytogenetic location: 4p16.3.
Variant type: single nucleotide variant.
Coding change: c.1404G>A on transcript NM_022042.4 (MANE Select); coding-DNA position 1404, G replaced by A.
Protein change: p.Pro468=; no amino-acid change (proline 468 retained).
Molecular consequence: synonymous variant. On other transcripts: intron variant (2).
Genome position (GRCh38, 1-based): chr4:989,535, C>T on the plus strand (G>A on the coding strand, the complement: SLC26A1 is on the minus strand). VCF-style: chr4-989535-C-T. GRCh37 (hg19) VCF-style: chr4-983323-C-T.
Other names: c.1404G>A, p.Pro468= (NM_213613.4); c.576+1593G>A (NM_134425.4); c.299+1586C>T (NM_000203.5); c.1404G>A (NM_022042.3).
Identifiers: ClinVar variation 1550085 (VCV001550085.10), dbSNP rs370491888, ClinGen allele CA2801385.

ClinVar aggregate classification (germline): Likely benign. Review status: criteria provided, multiple submitters, no conflicts (2 of 4 stars). 3 submissions from 3 submitters: Likely benign (3). Last evaluated 2026-01-20.

Conditions:
SLC26A1-related disorder. Also called: SLC26A1-related condition.
Nephrolithiasis, calcium oxalate. Also called: Calcium oxalate urolithiasis. Identifiers: MedGen C1833683, MONDO:0957318, HP:0008672.

Allele frequency attached by ClinVar (database versions not stated): gnomAD 0.00009 and 0.00010; gnomAD exomes 0.00011 and 0.00018; ESP Exome Variant Server 0.00024; ExAC 0.00031.
gnomAD v4.1: 266 of 1,560,276 alleles (0.017%); highest among the groups gnomAD compares: Non-Finnish European, 0.021%; no homozygotes.

Submissions (3):

Labcorp Genetics (formerly Invitae), Labcorp
Classification: Likely benign. Last evaluated: 2026-01-20. Review status: criteria provided, single submitter. Criteria: Invitae Variant Classification Sherloc (09022015). Collection method: clinical testing. Allele origin: germline.

PreventionGenetics, part of Exact Sciences
Classification: Likely benign for SLC26A1-related condition. Last evaluated: 2025-12-19. Review status: criteria provided, single submitter. Criteria: ACMG Guidelines, 2015. Collection method: clinical testing. Allele origin: germline.
Comment: This variant is classified as likely benign based on ACMG/AMP sequence variant interpretation guidelines (Richards et al. 2015 PMID: 25741868, with internal and published modifications).

Fulgent Genetics
Classification: Likely benign for Nephrolithiasis susceptibility caused by SLC26A1. Last evaluated: 2021-08-30. Review status: criteria provided, single submitter. Criteria: ACMG Guidelines, 2015. Collection method: clinical testing. Allele origin: unknown.